The following is an entry in ClinVar:

ClinVar aggregate classification (germline): Pathogenic (1 of 4 stars; one submission).

Conditions:
Primary ciliary dyskinesia. Also called: Ciliary dyskinesia. Identifiers: Orphanet 244, MedGen C0008780, MONDO:0016575, HP:0012265.

Submission:

Labcorp Genetics (formerly Invitae), Labcorp
Classification: Pathogenic for Primary ciliary dyskinesia. Last evaluated: 2019-11-07. Review status: criteria provided, single submitter. Criteria: Invitae Variant Classification Sherloc (09022015). Collection method: clinical testing. Allele origin: germline.
Comment: For these reasons, this variant has been classified as Pathogenic. This variant is an in-frame deletion of the genomic region encompassing exon 29 of the DNAH11 gene. It preserves the integrity of the reading frame.

NC_000007.14:g.(?_21655812)_(21656001_?)del

Gene: DNAH11 (dynein axonemal heavy chain 11; plus strand). Cytogenetic location: 7p15.3.
Variant type: Deletion.
Identifiers: ClinVar variation 830896 (VCV000830896.15).